The following is an entry in ClinVar:

ClinVar aggregate classification (germline): Uncertain significance. Review status: criteria provided, multiple submitters, no conflicts (2 of 4 stars). 2 submissions from 2 submitters: Uncertain significance (2). Last evaluated 2024-12-09.

Conditions:
Hereditary cancer-predisposing syndrome. Also called: Tumor predisposition; Hereditary neoplastic syndrome; Hereditary Cancer Syndrome; Neoplastic Syndromes, Hereditary. Identifiers: Orphanet 140162, MedGen C0027672, MeSH D009386, MONDO:0015356.
BAP1-related tumor predisposition syndrome (TPDS1). Also called: Tumor susceptibility linked to germline BAP1 mutations; BAP1 tumor predisposition syndrome; TUMOR PREDISPOSITION SYNDROME 1; COMMON Syndrome. Identifiers: Orphanet 289539, MedGen C3280492, MONDO:0013692, OMIM 614327.

Submissions (2):

Labcorp Genetics (formerly Invitae), Labcorp
Classification: Uncertain significance for BAP1-related tumor predisposition syndrome. Last evaluated: 2024-12-09. Review status: criteria provided, single submitter. Criteria: Invitae Variant Classification Sherloc (09022015). Collection method: clinical testing. Allele origin: germline.
Comment: This sequence change replaces asparagine, which is neutral and polar, with aspartic acid, which is acidic and polar, at codon 78 of the BAP1 protein (p.Asn78Asp). This variant is not present in population databases (gnomAD no frequency). This variant has not been reported in the literature in individuals affected with BAP1-related conditions. ClinVar contains an entry for this variant (Variation ID: 3224459). Invitae Evidence Modeling of protein sequence and biophysical properties (such as structural, functional, and spatial information, amino acid conservation, physicochemical variation, residue mobility, and thermodynamic stability) indicates that this missense variant is expected to disrupt BAP1 protein function with a positive predictive value of 80%. In summary, the available evidence is currently insufficient to determine the role of this variant in disease. Therefore, it has been classified as a Variant of Uncertain Significance.

Ambry Genetics
Classification: Uncertain significance for Hereditary cancer-predisposing syndrome. Last evaluated: 2023-10-20. Review status: criteria provided, single submitter. Criteria: Ambry Variant Classification Scheme 2023. Collection method: clinical testing. Allele origin: germline.
Comment: The p.N78D variant (also known as c.232A>G), located in coding exon 4 of the BAP1 gene, results from an A to G substitution at nucleotide position 232. The asparagine at codon 78 is replaced by aspartic acid, an amino acid with highly similar properties. This amino acid position is conserved. In addition, this alteration is predicted to be tolerated by in silico analysis. Since supporting evidence is limited at this time, the clinical significance of this alteration remains unclear.

NM_004656.4(BAP1):c.232A>G (p.Asn78Asp)

Gene: BAP1 (BRCA1 associated deubiquitinase 1; minus strand). Cytogenetic location: 3p21.1.
Variant type: single nucleotide variant.
Coding change: c.232A>G on transcript NM_004656.4 (MANE Select); coding-DNA position 232, A replaced by G.
Protein change: p.Asn78Asp; replaces asparagine 78 with aspartic acid.
Molecular consequence: missense variant.
Genome position (GRCh38, 1-based): chr3:52,408,497, T>C on the plus strand (A>G on the coding strand, the complement: BAP1 is on the minus strand). VCF-style: chr3-52408497-T-C. GRCh37 (hg19) VCF-style: chr3-52442513-T-C.
Other names: c.232A>G, p.Asn78Asp (NM_001410772.1); short protein forms N78D.
Identifiers: ClinVar variation 3224459 (VCV003224459.3), dbSNP rs2153228292, ClinGen allele CA353113048.